The following is an entry in ClinVar:

ClinVar aggregate classification (germline): Uncertain significance (1 of 4 stars; one submission).

Submission:

Labcorp Genetics (formerly Invitae), Labcorp
Classification: Uncertain significance. Last evaluated: 2025-05-27. Review status: criteria provided, single submitter. Criteria: Invitae Variant Classification Sherloc (09022015). Collection method: clinical testing. Allele origin: germline.
Comment: This sequence change replaces valine, which is neutral and non-polar, with isoleucine, which is neutral and non-polar, at codon 269 of the LRRC10 protein (p.Val269Ile). This variant is not present in population databases (gnomAD no frequency). This variant has not been reported in the literature in individuals affected with LRRC10-related conditions. ClinVar contains an entry for this variant (Variation ID: 2009564). An algorithm developed to predict the effect of missense changes on protein structure and function (PolyPhen-2) suggests that this variant is likely to be tolerated. In summary, the available evidence is currently insufficient to determine the role of this variant in disease. Therefore, it has been classified as a Variant of Uncertain Significance.

NM_201550.4(LRRC10):c.805G>A (p.Val269Ile)

Gene: LRRC10 (leucine rich repeat containing 10; minus strand). Cytogenetic location: 12q15.
Variant type: single nucleotide variant.
Coding change: c.805G>A on transcript NM_201550.4 (MANE Select); coding-DNA position 805, G replaced by A.
Protein change: p.Val269Ile; replaces valine 269 with isoleucine.
Molecular consequence: missense variant.
Genome position (GRCh38, 1-based): chr12:69,610,034, C>T on the plus strand (G>A on the coding strand, the complement: LRRC10 is on the minus strand). VCF-style: chr12-69610034-C-T. GRCh37 (hg19) VCF-style: chr12-70003814-C-T.
Other names: short protein forms V269I.
Identifiers: ClinVar variation 2009564 (VCV002009564.4), dbSNP rs2499031861, ClinGen allele CA385735034.
Genomic context (GRCh38, chr12:69,610,034, plus strand): 5'-GTCCTTGGCATTGACTTGCAACTGAAGCTCCTCAGGAGTTGGTAGGAGGAAGTAGAGGGA[C>T]TGGTGCCTGTAGCTCCTGGCTTTCCTCTCTGACCAACGCATAGCGCCTGGCTTTTCTAGG-3'
Protein context (NP_963844.2, residues 259-277): REESQELQAP[Val269Ile]PLLPPTNS